The following is an entry in ClinVar:

NM_000038.6(APC):c.5014G>A (p.Gly1672Arg)

Gene: APC (APC regulator of Wnt signaling pathway; plus strand). Cytogenetic location: 5q22.2.
Variant type: single nucleotide variant.
Coding change: c.5014G>A on transcript NM_000038.6 (MANE Select); coding-DNA position 5014, G replaced by A.
Protein change: p.Gly1672Arg; replaces glycine 1672 with arginine.
Molecular consequence: missense variant. On other transcripts: non-coding transcript variant (2).
Genome position (GRCh38, 1-based): chr5:112,840,608, G>A. VCF-style: chr5-112840608-G-A. GRCh37 (hg19) VCF-style: chr5-112176305-G-A.
Other names: c.5014G>A, p.Gly1672Arg (NM_001354895.2, NM_001407450.1, NM_001127510.3); c.5068G>A, p.Gly1690Arg (NM_001354896.2, NM_001407447.1, NM_001407448.1 and 1 more transcripts); c.5044G>A, p.Gly1682Arg (NM_001354897.2); c.4939G>A, p.Gly1647Arg (NM_001354898.2); c.4930G>A, p.Gly1644Arg (NM_001354899.2); c.4891G>A, p.Gly1631Arg (NM_001354900.2); c.4837G>A, p.Gly1613Arg (NM_001354901.2, NM_001407453.1); c.4741G>A, p.Gly1581Arg (NM_001354902.2); and 11 more; short protein forms G1571R, G1581R, G1613R, G1654R, G1288R, G1546R, G1589R, G1631R.
Identifiers: ClinVar variation 2566934 (VCV002566934.3), dbSNP rs2149929852, ClinGen allele CA16032301.
Genomic context (GRCh38, chr5:112,840,608, plus strand): 5'-TCCACAGCTACATCTCTAAGTGATCTAACAATCGAATCCCCTCCAAATGAGTTAGCTGCT[G>A]GAGAAGGAGTTAGAGGAGGGGCACAGTCAGGTGAATTTGAAAAACGAGATACCATTCCTA-3'
Protein context (NP_000029.2, residues 1662-1682): IESPPNELAA[Gly1672Arg]EGVRGGAQSG

ClinVar aggregate classification (germline): Uncertain significance. Review status: criteria provided, multiple submitters, no conflicts (2 of 4 stars). 2 submissions from 2 submitters: Uncertain significance (2). Last evaluated 2025-11-09.

Conditions:
Hereditary cancer-predisposing syndrome. Also called: Hereditary neoplastic syndrome; Hereditary Cancer Syndrome; Neoplastic Syndromes, Hereditary; Tumor predisposition. Identifiers: Orphanet 140162, MedGen C0027672, MeSH D009386, MONDO:0015356.
Familial adenomatous polyposis 1 (FAP1). Also called: POLYPOSIS, ADENOMATOUS INTESTINAL; FAMILIAL ADENOMATOUS POLYPOSIS 1, ATTENUATED. Identifiers: MedGen C2713442, MONDO:0021056, OMIM 175100. Disease mechanism: loss of function.

Submissions (2):

Labcorp Genetics (formerly Invitae), Labcorp
Classification: Uncertain significance for Familial adenomatous polyposis 1. Last evaluated: 2025-11-09. Review status: criteria provided, single submitter. Criteria: Invitae Variant Classification Sherloc (09022015). Collection method: clinical testing. Allele origin: germline.
Comment: This sequence change replaces glycine, which is neutral and non-polar, with arginine, which is basic and polar, at codon 1672 of the APC protein (p.Gly1672Arg). This variant is not present in population databases (gnomAD no frequency). This variant has not been reported in the literature in individuals affected with APC-related conditions. ClinVar contains an entry for this variant (Variation ID: 2566934). Invitae Evidence Modeling of protein sequence and biophysical properties (such as structural, functional, and spatial information, amino acid conservation, physicochemical variation, residue mobility, and thermodynamic stability) indicates that this missense variant is not expected to disrupt APC protein function with a negative predictive value of 95%. In summary, the available evidence is currently insufficient to determine the role of this variant in disease. Therefore, it has been classified as a Variant of Uncertain Significance.

Ambry Genetics
Classification: Uncertain significance for Hereditary cancer-predisposing syndrome. Last evaluated: 2023-03-30. Review status: criteria provided, single submitter. Criteria: Ambry Variant Classification Scheme 2023. Collection method: clinical testing. Allele origin: germline.
Comment: The p.G1672R variant (also known as c.5014G>A), located in coding exon 15 of the APC gene, results from a G to A substitution at nucleotide position 5014. The glycine at codon 1672 is replaced by arginine, an amino acid with dissimilar properties. This amino acid position is well conserved in available vertebrate species. In addition, in silico predictors for this gene do not accurately predict pathogenicity. Since supporting evidence is limited at this time, the clinical significance of this alteration remains unclear.